The following is an entry in ClinVar:

NM_000287.4(PEX6):c.122G>A (p.Arg41Lys)

Gene: PEX6 (peroxisomal biogenesis factor 6; minus strand). Cytogenetic location: 6p21.1.
Variant type: single nucleotide variant.
Coding change: c.122G>A on transcript NM_000287.4 (MANE Select); coding-DNA position 122, G replaced by A.
Protein change: p.Arg41Lys; replaces arginine 41 with lysine.
Molecular consequence: missense variant. On other transcripts: non-coding transcript variant (1).
Genome position (GRCh38, 1-based): chr6:42,979,029, C>T on the plus strand (G>A on the coding strand, the complement: PEX6 is on the minus strand). VCF-style: chr6-42979029-C-T. GRCh37 (hg19) VCF-style: chr6-42946767-C-T.
Other names: c.122G>A, p.Arg41Lys (NM_001316313.2); short protein forms R41K.
Identifiers: ClinVar variation 948209 (VCV000948209.6), dbSNP rs372033738, ClinGen allele CA138238703.

ClinVar aggregate classification (germline): Uncertain significance. Review status: criteria provided, single submitter (1 of 4 stars). 2 submissions from 2 submitters: Uncertain significance (1). 1 of the submissions does not count toward it. Last evaluated 2025-05-19.

Conditions:
Zellweger spectrum disorders (ZS). Also called: Zellweger syndrome; Zellweger Spectrum Disorder; Zellweger Spectrum; Zellweger Spectrum Disorder (ZSD). Identifiers: Orphanet 912, MedGen C0043459, MONDO:0019609.
Peroxisome biogenesis disorder. Identifiers: Orphanet 79189, MedGen C1832200, MONDO:0019234. Disease mechanism: loss of function.

Allele frequency attached by ClinVar (database versions not stated): gnomAD exomes 0.00001; gnomAD 0.00002 and 0.00003; TOPMed 0.00002; ESP Exome Variant Server 0.00011; 1000 Genomes Project 30x 0.00016.
gnomAD v4.1: 11 of 1,531,460 alleles (0.00072%); highest among the groups gnomAD compares: Admixed American, 0.0059%; no homozygotes.

Submissions (2):

Labcorp Genetics (formerly Invitae), Labcorp
Classification: Uncertain significance for Peroxisome biogenesis disorder. Last evaluated: 2025-05-19. Review status: criteria provided, single submitter. Criteria: Invitae Variant Classification Sherloc (09022015). Collection method: clinical testing. Allele origin: germline.
Comment: This sequence change replaces arginine, which is basic and polar, with lysine, which is basic and polar, at codon 41 of the PEX6 protein (p.Arg41Lys). The frequency data for this variant in the population databases is considered unreliable, as metrics indicate poor data quality at this position in the gnomAD database. This variant has not been reported in the literature in individuals affected with PEX6-related conditions. ClinVar contains an entry for this variant (Variation ID: 948209). An algorithm developed to predict the effect of missense changes on protein structure and function (PolyPhen-2) suggests that this variant is likely to be disruptive. In summary, the available evidence is currently insufficient to determine the role of this variant in disease. Therefore, it has been classified as a Variant of Uncertain Significance.

Natera, Inc.
Classification: Uncertain significance for Zellweger syndrome. Last evaluated: 2020-05-08. Review status: no assertion criteria provided. Collection method: clinical testing. Allele origin: germline. Not counted in ClinVar's aggregate classification.